The following is an entry in ClinVar:

ClinVar aggregate classification (germline): Uncertain significance. Review status: criteria provided, multiple submitters, no conflicts (2 of 4 stars). 2 submissions from 2 submitters: Uncertain significance (2). Last evaluated 2024-09-13.

Allele frequency attached by ClinVar (database versions not stated): gnomAD 0.00005 and 0.00006; ESP Exome Variant Server 0.00008; gnomAD exomes 0.00008 and 0.00012; TOPMed 0.00010; ExAC 0.00013.
gnomAD v4.1: 122 of 1,611,860 alleles (0.0076%); highest among the groups gnomAD compares: Middle Eastern, 0.022%; no homozygotes.

Submissions (2):

Blueprint Genetics
Classification: Uncertain significance. Last evaluated: 2024-09-13. Review status: criteria provided, single submitter. Criteria: ACMG Guidelines, 2015. Collection method: clinical testing. Allele origin: germline.

Labcorp Genetics (formerly Invitae), Labcorp
Classification: Uncertain significance. Last evaluated: 2023-12-11. Review status: criteria provided, single submitter. Criteria: Invitae Variant Classification Sherloc (09022015). Collection method: clinical testing. Allele origin: germline.
Comment: This sequence change replaces proline, which is neutral and non-polar, with serine, which is neutral and polar, at codon 182 of the ZNF341 protein (p.Pro182Ser). This variant is present in population databases (rs372492319, gnomAD 0.02%). This variant has not been reported in the literature in individuals affected with ZNF341-related conditions. ClinVar contains an entry for this variant (Variation ID: 1395256). An algorithm developed to predict the effect of missense changes on protein structure and function (PolyPhen-2) suggests that this variant is likely to be disruptive. In summary, the available evidence is currently insufficient to determine the role of this variant in disease. Therefore, it has been classified as a Variant of Uncertain Significance.

NM_001282933.2(ZNF341):c.544C>T (p.Pro182Ser)

Gene: ZNF341 (zinc finger protein 341; plus strand). Cytogenetic location: 20q11.22.
Variant type: single nucleotide variant.
Coding change: c.544C>T on transcript NM_001282933.2 (MANE Select); coding-DNA position 544, C replaced by T.
Protein change: p.Pro182Ser; replaces proline 182 with serine.
Molecular consequence: missense variant. On other transcripts: non-coding transcript variant (1).
Genome position (GRCh38, 1-based): chr20:33,753,226, C>T. VCF-style: chr20-33753226-C-T. GRCh37 (hg19) VCF-style: chr20-32341032-C-T.
Other names: c.274C>T, p.Pro92Ser (NM_001282935.2); c.544C>T, p.Pro182Ser (NM_032819.5); short protein forms P92S, P182S.
Identifiers: ClinVar variation 1395256 (VCV001395256.5), dbSNP rs372492319, ClinGen allele CA9819209.